The following is an entry in ClinVar:

ClinVar aggregate classification (germline): Uncertain significance (1 of 4 stars; one submission).

Submission:

Labcorp Genetics (formerly Invitae), Labcorp
Classification: Uncertain significance. Last evaluated: 2025-04-16. Review status: criteria provided, single submitter. Criteria: Invitae Variant Classification Sherloc (09022015). Collection method: clinical testing. Allele origin: germline.
Comment: This sequence change replaces leucine, which is neutral and non-polar, with methionine, which is neutral and non-polar, at codon 569 of the PDZD7 protein (p.Leu569Met). This variant is not present in population databases (gnomAD no frequency). This variant has not been reported in the literature in individuals affected with PDZD7-related conditions. ClinVar contains an entry for this variant (Variation ID: 1045417). Invitae Evidence Modeling of protein sequence and biophysical properties (such as structural, functional, and spatial information, amino acid conservation, physicochemical variation, residue mobility, and thermodynamic stability) has been performed for this missense variant. However, the output from this modeling did not meet the statistical confidence thresholds required to predict the impact of this variant on PDZD7 protein function. In summary, the available evidence is currently insufficient to determine the role of this variant in disease. Therefore, it has been classified as a Variant of Uncertain Significance.

NM_001195263.2(PDZD7):c.1705C>A (p.Leu569Met)

Gene: PDZD7 (PDZ domain containing 7; minus strand). Cytogenetic location: 10q24.31.
Variant type: single nucleotide variant.
Coding change: c.1705C>A on transcript NM_001195263.2 (MANE Select); coding-DNA position 1705, C replaced by A.
Protein change: p.Leu569Met; replaces leucine 569 with methionine.
Molecular consequence: missense variant.
Genome position (GRCh38, 1-based): chr10:101,015,680, G>T on the plus strand (C>A on the coding strand, the complement: PDZD7 is on the minus strand). VCF-style: chr10-101015680-G-T. GRCh37 (hg19) VCF-style: chr10-102775437-G-T.
Other names: short protein forms L569M.
Identifiers: ClinVar variation 1045417 (VCV001045417.6), dbSNP rs943957887, ClinGen allele CA212981936.
Genomic context (GRCh38, chr10:101,015,680, plus strand): 5'-TGGGATGAAGGCTTACCCGGGAGCAGTGGCGGGTGACAGCCAGCACCTCGTCATCAGTCA[G>T]CAGCCTCTGGGCCAGGTCCTGAATGAGGGGCCGCCGGCTCTCCCAGGCCTGAACCTGCTC-3'
Protein context (NP_001182192.1, residues 559-579): PLIQDLAQRL[Leu569Met]TDDEVLAVTR